The following is an entry in ClinVar:

ClinVar aggregate classification (germline): Likely pathogenic (3 of 4 stars; one submission).

Conditions:
RPGR-related retinopathy. Also called: RPGR retinopathy. Identifiers: MedGen CN305589, MONDO:0100437.

Submission:

ClinGen X-linked Inherited Retinal Disease Variant Curation Expert Panel, ClinGen
Classification: Likely pathogenic for RPGR-related retinopathy. Last evaluated: 2026-01-25. Review status: reviewed by expert panel. Criteria: ClinGen X LinkedIRD ACMG Specifications RPGR V1.0.0. Collection method: curation. Allele origin: germline. Inheritance: X-linked inheritance.
Comment: NM_001034853.2(RPGR):c.1147_1150del (p.Thr383AlafsTer13) is a frameshift variant due to a four-nucleotide deletion that introduces a premature stop codon in exon 10 of 15 that is predicted to trigger nonsense-mediated decay (PVS1). This variant is absent from gnomAD v4.1.0 (PM2_Supporting). This variant has been reported in one proband diagnosed with retinitis pigmentosa with a rod-cone phenotype (PMID: 28863407). However, the number of individuals meeting one of the PS4 requirements of some functional vision impairment in affected males by age 30 years, and/or decreased or absent electroretinogram responses was fewer than the 2 unrelated probands required to meet PS4_Supporting. In summary, this variant is classified as likely pathogenic for RPGR-related retinopathy based on the ClinGen X-linked Inherited Retinal Disease Expert Panel Specifications to the ACMG/AMP Variant Interpretation Guidelines for RPGR Version 1.0.0; PVS1 and PM2_Supporting.

NM_001034853.2(RPGR):c.1147_1150del (p.Thr383fs)

Gene: RPGR (retinitis pigmentosa GTPase regulator; minus strand).
Variant type: Deletion.
Coding change: c.1147_1150del on transcript NM_001034853.2 (MANE Select); coding-DNA positions 1147 to 1150, 4 bases deleted.
Protein change: p.Thr383fs; shifts the reading frame from threonine 383.
Molecular consequence: frameshift variant. On other transcripts: non-coding transcript variant (6), intron variant (2).
Other names: NM_001034853.2:c.1147_1150del; c.1147_1150del, p.Thr383fs (NM_000328.3, NM_001367247.1); c.1144_1147del, p.Thr382fs (NM_001367245.1, NM_001367249.1, NM_001367250.1); c.1177_1180del, p.Thr393fs (NM_001367248.1); c.1060-1602_1060-1599del (NM_001367251.1, NM_001367246.1); short protein forms T382fs, T383fs, T393fs.
Identifiers: ClinVar variation 4686676 (VCV004686676.1).